The following is an entry in ClinVar:

ClinVar aggregate classification (germline): Uncertain significance. Review status: reviewed by expert panel (3 of 4 stars). 3 submissions from 3 submitters: Uncertain significance (1). 2 of the submissions do not count toward it. Last evaluated 2026-06-23.

Conditions:
Leber congenital amaurosis 2 (LCA2). Also called: AMAUROSIS CONGENITA OF LEBER II; Autosomal Recessive RPE65-Related Retinal Degeneration. Identifiers: Orphanet 65, MedGen C1859844, MONDO:0008765, OMIM 204100. Disease mechanism: loss of function.
Retinitis pigmentosa 20 (RP20). Identifiers: Orphanet 791, MedGen C3151086, MONDO:0013425, OMIM 613794.
Retinitis pigmentosa 87 with choroidal involvement. Identifiers: MedGen C5231465, MONDO:0032873, OMIM 618697.
RPE65-related recessive retinopathy. Also called: Recessive RPE65 retinopathy. Identifiers: MedGen CN305526, MONDO:0100368.

Submissions (3):

ClinGen Leber Congenital Amaurosis/early Onset Retinal Dystrophy Variant Curation Expert Panel, ClinGen
Classification: Uncertain significance for RPE65-related recessive retinopathy. Last evaluated: 2026-06-23. Review status: reviewed by expert panel. Criteria: ClinGen LCAeoRD ACMG Specifications RPE65 V1.0.0. Collection method: curation. Allele origin: germline. Inheritance: Autosomal recessive inheritance.
Comment: NM_000329.3(RPE65):c.1088C>T (p.Pro363Leu) is a missense variant that causes replacement of proline with leucine at amino acid p.363. Another missense variant in the same codon, NM_000329.3(RPE65):c.1087C>A (p.Pro363Thr), has been classified as pathogenic for RPE65-related recessive retinopathy by the ClinGen LCA / eoRD VCEP (PM5, PMID:9326941, PMID: 26352687, PMID:16828753). Splicing prediction using SpliceAI did not strongly predict an effect on splicing due to either of these variants. This variant is absent from gnomAD v4.1.0 (PM2_Supporting). The computational predictor REVEL gives a score of 0.856, which is above the ClinGen LCA / eoRD VCEP threshold of ≥0.774 and predicts a damaging effect on RPE65 function. The splicing impact predictor SpliceAI gives a delta score of 0.03, which is below the ClinGen LCA/eoRD VCEP recommended threshold of <0.1 and does not predict an impact on splicing. (PP3_Moderate). In summary, this variant meets the criteria to be classified as a variant of uncertain significance (VUS) for RPE65-related recessive retinopathy based on the ACMG/AMP criteria applied, as specified by the ClinGen LCA/eoRD VCEP: PM5, PM2_Supporting, PP3_Moderate. (VCEP specifications version 1.0.0; date of approval 09/21/2023).

Fulgent Genetics
Classification: Likely pathogenic for Leber congenital amaurosis 2; Retinitis pigmentosa 20; Retinitis pigmentosa 87 with choroidal involvement. Last evaluated: 2024-06-10. Review status: criteria provided, single submitter. Criteria: ACMG Guidelines, 2015. Collection method: clinical testing. Allele origin: germline. Not counted in ClinVar's aggregate classification.

Women's Health and Genetics/Laboratory Corporation of America, LabCorp
Classification: Uncertain significance. Last evaluated: 2023-07-20. Review status: criteria provided, single submitter. Criteria: LabCorp Variant Classification Summary - May 2015. Collection method: clinical testing. Allele origin: germline. Not counted in ClinVar's aggregate classification.
Comment: Variant summary: RPE65 c.1088C>T (p.Pro363Leu) results in a non-conservative amino acid change in the encoded protein sequence. Five of five in-silico tools predict a damaging effect of the variant on protein function. The variant allele was found at a frequency of 4e-06 in 251300 control chromosomes (gnomAD). The available data on variant occurrences in the general population are insufficient to allow any conclusion about variant significance. To our knowledge, no occurrence of c.1088C>T in individuals affected with Leber Congenital Amaurosis and no experimental evidence demonstrating its impact on protein function have been reported. One variant affecting the same codon have been classified as pathogenic in ClinVar (c.1087C>A, p.Pro363T- CV ID 13117) and a second variant (c.1088C>G, p.P363R) has been reported in the literature in bi-allelic individuals affected with Leber Congenital Amaurosis (PubMed: 26626312, 30268864, 33173045) suggesting this residue may be critical for the normal function of the protein. No submitters have cited clinical-significance assessments for this variant to ClinVar after 2014. Based on the evidence outlined above, the variant was classified as VUS-possibly pathogenic.

NM_000329.3(RPE65):c.1088C>T (p.Pro363Leu)

Gene: RPE65 (retinoid isomerohydrolase RPE65; minus strand). Cytogenetic location: 1p31.3.
Variant type: single nucleotide variant.
Coding change: c.1088C>T on transcript NM_000329.3 (MANE Select); coding-DNA position 1088, C replaced by T.
Protein change: p.Pro363Leu; replaces proline 363 with leucine.
Molecular consequence: missense variant.
Genome position (GRCh38, 1-based): chr1:68,438,227, G>A on the plus strand (C>T on the coding strand, the complement: RPE65 is on the minus strand). VCF-style: chr1-68438227-G-A. GRCh37 (hg19) VCF-style: chr1-68903910-G-A.
Other names: NM_000329.3(RPE65):c.1088C>T; p.Pro363Leu; c.980C>T, p.Pro327Leu (NM_001406853.1); c.812C>T, p.Pro271Leu (NM_001406856.1, NM_001406857.1); c.1088C>T, p.Pro363Leu (NM_001406859.1); short protein forms P271L, P327L, P363L.
Identifiers: ClinVar variation 2577272 (VCV002577272.3), dbSNP rs1158240863, ClinGen allele CA340744119.
Genomic context (GRCh38, chr1:68,438,227, plus strand): 5'-TCTACAGAGAAGCAGGTTACCTTGTCAATATTCAAAGGAAGTACATATCTCCTAACTTCA[G>A]GTTGGGGAGCCTTTCTGGCATTTTTTTTCACCTCTTCCCAGTTCTCACGTAAATTGGCTA-3'
Protein context (NP_000320.1, residues 353-373): VKKNARKAPQ[Pro363Leu]EVRRYVLPLN